The following is an entry in ClinVar:

NM_144687.4(NLRP12):c.749T>A (p.Ile250Asn)

Gene: NLRP12 (NLR family pyrin domain containing 12; minus strand). Cytogenetic location: 19q13.42.
Variant type: single nucleotide variant.
Coding change: c.749T>A on transcript NM_144687.4 (MANE Select); coding-DNA position 749, T replaced by A.
Protein change: p.Ile250Asn; replaces isoleucine 250 with asparagine.
Molecular consequence: missense variant.
Genome position (GRCh38, 1-based): chr19:53,810,910, A>T on the plus strand (T>A on the coding strand, the complement: NLRP12 is on the minus strand). VCF-style: chr19-53810910-A-T. GRCh37 (hg19) VCF-style: chr19-54314164-A-T.
Other names: c.749T>A, p.Ile250Asn (NM_001277126.2, NM_001277129.1); short protein forms I250N.
Identifiers: ClinVar variation 2179501 (VCV002179501.5), dbSNP rs916881700, ClinGen allele CA310071044.

ClinVar aggregate classification (germline): Uncertain significance. Review status: criteria provided, multiple submitters, no conflicts (2 of 4 stars). 2 submissions from 2 submitters: Uncertain significance (2). Last evaluated 2024-08-13.

Conditions:
Familial cold autoinflammatory syndrome 2 (FCAS2). Identifiers: Orphanet 247868, MedGen C2673198, MONDO:0012724, OMIM 611762.

Submissions (2):

Laboratorio de Genetica e Diagnostico Molecular, Hospital Israelita Albert Einstein
Classification: Uncertain significance for Familial cold autoinflammatory syndrome 2. Last evaluated: 2024-08-13. Review status: criteria provided, single submitter. Criteria: ACMG Guidelines, 2015. Collection method: clinical testing. Allele origin: germline. Affected: yes.
Comment: ACMG classification criteria: PM2 supporting, PP3 supporting

Labcorp Genetics (formerly Invitae), Labcorp
Classification: Uncertain significance for Familial cold autoinflammatory syndrome 2. Last evaluated: 2022-06-11. Review status: criteria provided, single submitter. Criteria: Invitae Variant Classification Sherloc (09022015). Collection method: clinical testing. Allele origin: germline.
Comment: This sequence change replaces isoleucine, which is neutral and non-polar, with asparagine, which is neutral and polar, at codon 250 of the NLRP12 protein (p.Ile250Asn). This variant is not present in population databases (gnomAD no frequency). This variant has not been reported in the literature in individuals affected with NLRP12-related conditions. Algorithms developed to predict the effect of missense changes on protein structure and function (SIFT, PolyPhen-2, Align-GVGD) all suggest that this variant is likely to be disruptive. In summary, the available evidence is currently insufficient to determine the role of this variant in disease. Therefore, it has been classified as a Variant of Uncertain Significance.